The following is an entry in ClinVar:

ClinVar aggregate classification (germline): Uncertain significance (1 of 4 stars; one submission).

Conditions:
Baller-Gerold syndrome (BGS). Also called: CRANIOSYNOSTOSIS WITH RADIAL DEFECTS. Identifiers: Orphanet 1225, MedGen C0265308, MONDO:0009039, OMIM 218600.

gnomAD v4.1: 1 of 1,562,928 alleles (0.000064%); highest among the groups gnomAD compares: Non-Finnish European, 0.000087%; no homozygotes.

Submission:

Labcorp Genetics (formerly Invitae), Labcorp
Classification: Uncertain significance for Baller-Gerold syndrome. Last evaluated: 2024-07-13. Review status: criteria provided, single submitter. Criteria: Invitae Variant Classification Sherloc (09022015). Collection method: clinical testing. Allele origin: germline.
Comment: This sequence change replaces arginine, which is basic and polar, with glycine, which is neutral and non-polar, at codon 830 of the RECQL4 protein (p.Arg830Gly). This variant is not present in population databases (gnomAD no frequency). This variant has not been reported in the literature in individuals affected with RECQL4-related conditions. Advanced modeling of protein sequence and biophysical properties (such as structural, functional, and spatial information, amino acid conservation, physicochemical variation, residue mobility, and thermodynamic stability) performed at Invitae indicates that this missense variant is expected to disrupt RECQL4 protein function with a positive predictive value of 80%. In summary, the available evidence is currently insufficient to determine the role of this variant in disease. Therefore, it has been classified as a Variant of Uncertain Significance.

NM_004260.4(RECQL4):c.2488A>G (p.Arg830Gly)

Gene: RECQL4 (RecQ like helicase 4; minus strand). Cytogenetic location: 8q24.3.
Variant type: single nucleotide variant.
Coding change: c.2488A>G on transcript NM_004260.4 (MANE Select); coding-DNA position 2488, A replaced by G.
Protein change: p.Arg830Gly; replaces arginine 830 with glycine.
Molecular consequence: missense variant. On other transcripts: non-coding transcript variant (3).
Genome position (GRCh38, 1-based): chr8:144,513,114, T>C on the plus strand (A>G on the coding strand, the complement: RECQL4 is on the minus strand). VCF-style: chr8-144513114-T-C. GRCh37 (hg19) VCF-style: chr8-145738497-T-C.
Other names: c.1351A>G, p.Arg451Gly (NM_001413030.1, NM_001413041.1, NM_001413027.1 and 1 more transcripts); c.1387A>G, p.Arg463Gly (NM_001413042.1); c.1021A>G, p.Arg341Gly (NM_001413043.1); c.2194A>G, p.Arg732Gly (NM_001413017.1); c.2290A>G, p.Arg764Gly (NM_001413018.1); c.2488A>G, p.Arg830Gly (NM_001413019.1, NM_001413036.1); c.2392A>G, p.Arg798Gly (NM_001413020.1); c.1417A>G, p.Arg473Gly (NM_001413021.1, NM_001413022.1, NM_001413023.1 and 5 more transcripts); and 6 more; short protein forms R341G, R407G, R713G, R732G, R787G, R798G, R786G, R451G.
Identifiers: ClinVar variation 3659456 (VCV003659456.2).